The following is an entry in ClinVar:

ClinVar aggregate classification (germline): Benign/Likely benign. Review status: criteria provided, multiple submitters, no conflicts (2 of 4 stars). 19 submissions from 17 submitters: Benign (10); Likely benign (3). 6 of the submissions do not count toward it. Last evaluated 2026-02-03.

Conditions:
Cardiovascular phenotype. Identifiers: MedGen CN230736.
Desmin-related myofibrillar myopathy (MFM1). Also called: MYOFIBRILLAR MYOPATHY WITH ARRHYTHMOGENIC RIGHT VENTRICULAR CARDIOMYOPATHY; DESMIN-RELATED MYOPATHY WITH ARRHYTHMOGENIC RIGHT VENTRICULAR CARDIOMYOPATHY; Desminopathy; Desmin related myopathy (former name); Desmin storage myopathy (former name); Myofibrillar myopathy 1. Identifiers: Orphanet 363543, Orphanet 98909, MedGen C1832370, MONDO:0011076, OMIM 601419.
Cardiomyopathy (CMYO). Also called: Cardiomyopathies. Identifiers: Orphanet 167848, MedGen C0878544, MONDO:0004994, HP:0001638. Inheritance: Various modes of inheritance.
Neurogenic scapuloperoneal syndrome, Kaeser type (SCPNK). Also called: KAESER SYNDROME. Identifiers: Orphanet 85146, MedGen C1867005, MONDO:0008407, OMIM 181400.
Dilated cardiomyopathy 1I (CMD1I). Identifiers: Orphanet 154, MedGen C1858154, MONDO:0011482, OMIM 604765.

Allele frequency attached by ClinVar (database versions not stated): gnomAD exomes 0.00196 and 0.00520; ExAC 0.00650; gnomAD 0.01984 and 0.02125; TOPMed 0.02234; ESP Exome Variant Server 0.02291; 1000 Genomes Project 0.02316; 1000 Genomes Project 30x 0.02561.
gnomAD v4.1: 6,042 of 1,614,016 alleles (0.37%); highest among the groups gnomAD compares: African/African-American, 6.9%; 209 homozygotes.

Submissions (19):

Labcorp Genetics (formerly Invitae), Labcorp
Classification: Benign for Desmin-related myofibrillar myopathy. Last evaluated: 2026-02-03. Review status: criteria provided, single submitter. Criteria: Invitae Variant Classification Sherloc (09022015). Collection method: clinical testing. Allele origin: germline.

Molecular Diagnostic Laboratory for Inherited Cardiovascular Disease, Montreal Heart Institute
Classification: Benign. Last evaluated: 2025-04-09. Review status: criteria provided, single submitter. Criteria: ACMG Guidelines, 2015. Collection method: clinical testing. Allele origin: germline. Affected: no.

ARUP Laboratories, Molecular Genetics and Genomics, ARUP Laboratories
Classification: Benign. Last evaluated: 2025-04-04. Review status: criteria provided, single submitter. Criteria: ARUP Molecular Germline Variant Investigation Process 2024. Collection method: clinical testing. Allele origin: germline.

Athena Diagnostics
Classification: Benign. Last evaluated: 2024-01-30. Review status: criteria provided, single submitter. Criteria: Athena Diagnostics Criteria. Collection method: clinical testing. Allele origin: unknown.

Mayo Clinic Laboratories, Mayo Clinic
Classification: Benign. Last evaluated: 2018-05-23. Review status: criteria provided, single submitter. Criteria: ACMG Guidelines, 2015. Collection method: clinical testing. Allele origin: germline. Observed: 40 variant alleles.

Illumina Laboratory Services, Illumina
Classification: Likely benign for Myofibrillar myopathy 1. Last evaluated: 2018-01-13. Review status: criteria provided, single submitter. Criteria: ICSL Variant Classification Criteria 13 December 2019. Collection method: clinical testing. Allele origin: germline.
Comment: This variant was observed in the ICSL laboratory as part of a predisposition screen in an ostensibly healthy population. It had not been previously curated by ICSL or reported in the Human Gene Mutation Database (HGMD: prior to June 1st, 2018), and was therefore a candidate for classification through an automated scoring system. Utilizing variant allele frequency, disease prevalence and penetrance estimates, and inheritance mode, an automated score was calculated to assess if this variant is too frequent to cause the disease. Based on the score and internal cut-off values, a variant classified as likely benign is not then subjected to further curation. The score for this variant resulted in a classification of likely benign for this disease.

Illumina Laboratory Services, Illumina
Classification: Benign for Neurogenic scapuloperoneal syndrome, Kaeser type. Last evaluated: 2018-01-13. Review status: criteria provided, single submitter. Criteria: ICSL Variant Classification Criteria 13 December 2019. Collection method: clinical testing. Allele origin: germline.
Comment: This variant was observed in the ICSL laboratory as part of a predisposition screen in an ostensibly healthy population. It had not been previously curated by ICSL or reported in the Human Gene Mutation Database (HGMD: prior to June 1st, 2018), and was therefore a candidate for classification through an automated scoring system. Utilizing variant allele frequency, disease prevalence and penetrance estimates, and inheritance mode, an automated score was calculated to assess if this variant is too frequent to cause the disease. Based on the score and internal cut-off values, a variant classified as benign is not then subjected to further curation. The score for this variant resulted in a classification of benign for this disease.

Illumina Laboratory Services, Illumina
Classification: Likely benign for Dilated cardiomyopathy 1I. Last evaluated: 2018-01-13. Review status: criteria provided, single submitter. Criteria: ICSL Variant Classification Criteria 13 December 2019. Collection method: clinical testing. Allele origin: germline.
Comment: the same text as in the submission from Illumina Laboratory Services, Illumina above.

CHEO Genetics Diagnostic Laboratory, Children's Hospital of Eastern Ontario
Classification: Benign for Cardiomyopathy. Last evaluated: 2015-11-04. Review status: criteria provided, single submitter. Criteria: ACMG Guidelines, 2015. Collection method: clinical testing. Allele origin: germline. Study: Canadian Open Genetics Repository.

Ambry Genetics
Classification: Benign for Cardiovascular phenotype. Last evaluated: 2015-10-06. Review status: criteria provided, single submitter. Criteria: Ambry Variant Classification Scheme 2023. Collection method: clinical testing. Allele origin: germline.

GeneDx
Classification: Benign. Last evaluated: 2015-03-03. Review status: criteria provided, single submitter. Criteria: GeneDx Variant Classification Process June 2021. Collection method: clinical testing. Allele origin: germline. Affected: yes.

Laboratory for Molecular Medicine, Mass General Brigham Personalized Medicine
Classification: Benign. Last evaluated: 2012-01-09. Review status: criteria provided, single submitter. Criteria: LMM Criteria. Collection method: clinical testing. Allele origin: germline. Observed: 57 variant alleles.
Comment: Asn342Asn in exon 6 of DES: This variant is classified as benign because it does not change the amino acid and is frequent in the general population (rs61731508 , MAF >1%).

Breakthrough Genomics
Classification: Likely benign. Review status: criteria provided, single submitter. Criteria: ACMG Guidelines, 2015. Collection method: not provided. Allele origin: germline. Inheritance: Autosomal recessive inheritance. Affected: yes.

Clinical Genetics DNA and cytogenetics Diagnostics Lab, Erasmus MC, Erasmus Medical Center
Classification: Benign. Review status: no assertion criteria provided. Collection method: clinical testing. Allele origin: germline. Affected: yes. Study: VKGL Data-share Consensus. Not counted in ClinVar's aggregate classification.

Clinical Genetics, Academic Medical Center
Classification: Benign. Review status: no assertion criteria provided. Collection method: clinical testing. Allele origin: germline. Affected: yes. Study: VKGL Data-share Consensus. Not counted in ClinVar's aggregate classification.

Diagnostic Laboratory, Department of Genetics, University Medical Center Groningen
Classification: Likely benign. Review status: no assertion criteria provided. Collection method: clinical testing. Allele origin: germline. Affected: yes. Study: VKGL Data-share Consensus. Not counted in ClinVar's aggregate classification.

Genetic Services Laboratory, University of Chicago
Classification: Likely benign for AllHighlyPenetrant. Review status: no assertion criteria provided. Collection method: clinical testing. Allele origin: germline. Inheritance: Autosomal dominant inheritance. Not counted in ClinVar's aggregate classification.
Comment: Likely benign based on allele frequency in 1000 Genomes Project or ESP global frequency and its presence in a patient with a rare or unrelated disease phenotype. NOT Sanger confirmed.

Joint Genome Diagnostic Labs from Nijmegen and Maastricht, Radboudumc and MUMC+
Classification: Likely benign. Review status: no assertion criteria provided. Collection method: clinical testing. Allele origin: germline. Affected: yes. Study: VKGL Data-share Consensus. Not counted in ClinVar's aggregate classification.

Laboratory of Diagnostic Genome Analysis, Leiden University Medical Center (LUMC)
Classification: Likely benign. Review status: no assertion criteria provided. Collection method: clinical testing. Allele origin: germline. Affected: yes. Study: VKGL Data-share Consensus. Not counted in ClinVar's aggregate classification.

NM_001927.4(DES):c.1026C>T (p.Asn342=)

Gene: DES (desmin; plus strand). Cytogenetic location: 2q35.
Variant type: single nucleotide variant.
Coding change: c.1026C>T on transcript NM_001927.4 (MANE Select); coding-DNA position 1026, C replaced by T.
Protein change: p.Asn342=; no amino-acid change (asparagine 342 retained).
Molecular consequence: synonymous variant.
Genome position (GRCh38, 1-based): chr2:219,421,342, C>T. VCF-style: chr2-219421342-C-T. GRCh37 (hg19) VCF-style: chr2-220286064-C-T.
Other names: p.Asn342=.
Identifiers: ClinVar variation 44243 (VCV000044243.52), dbSNP rs61731508, ClinGen allele CA133805.